The following is an entry in ClinVar:

ClinVar aggregate classification (germline): Uncertain significance (0 of 4 stars; one submission).

Conditions:
NCOA1-related disorder. Also called: NCOA1-related condition.

Submission:

PreventionGenetics, part of Exact Sciences
Classification: Uncertain significance for NCOA1-related condition. Last evaluated: 2024-05-14. Review status: no assertion criteria provided. Collection method: clinical testing. Allele origin: germline.
Comment: The NCOA1 c.422C>G variant is predicted to result in the amino acid substitution p.Thr141Ser. To our knowledge, this variant has not been reported in the literature or in a large population database, indicating this variant is rare. At this time, the clinical significance of this variant is uncertain due to the absence of conclusive functional and genetic evidence.

NM_003743.5(NCOA1):c.422C>G (p.Thr141Ser)

Gene: NCOA1 (nuclear receptor coactivator 1; plus strand). Cytogenetic location: 2p23.3.
Variant type: single nucleotide variant.
Coding change: c.422C>G on transcript NM_003743.5 (MANE Select); coding-DNA position 422, C replaced by G.
Protein change: p.Thr141Ser; replaces threonine 141 with serine.
Molecular consequence: missense variant.
Genome position (GRCh38, 1-based): chr2:24,683,018, C>G. VCF-style: chr2-24683018-C-G. GRCh37 (hg19) VCF-style: chr2-24905887-C-G.
Other names: c.422C>G, p.Thr141Ser (NM_001362950.1, NM_001362952.1, NM_001362954.1 and 3 more transcripts); short protein forms T141S.
Identifiers: ClinVar variation 3345285 (VCV003345285.1).
Genomic context (GRCh38, chr2:24,683,018, plus strand): 5'-ATGGATTTTTCTTTGTTGTGAACTGTGAAGGGAGAATTGTATTTGTGTCAGAGAATGTAA[C>G]CAGCTACTTAGGTTACAATCAGGAGGAATTAATGAATACGAGCGTCTACAGCATACTGCA-3'
Protein context (NP_003734.3, residues 131-151): GRIVFVSENV[Thr141Ser]SYLGYNQEEL